The following is an entry in ClinVar:

NM_005559.4(LAMA1):c.8160A>C (p.Gln2720His)

Genes: LAMA1 (laminin subunit alpha 1; minus strand), LOC101927188 (uncharacterized LOC101927188; plus strand). Cytogenetic location: 18p11.31.
Variant type: single nucleotide variant.
Coding change: c.8160A>C on transcript NM_005559.4 (MANE Select); coding-DNA position 8160, A replaced by C.
Protein change: p.Gln2720His; replaces glutamine 2720 with histidine.
Molecular consequence: missense variant. On other transcripts: non-coding transcript variant (1).
Genome position (GRCh38, 1-based): chr18:6,955,400, T>G on the plus strand (A>C on the coding strand, the complement: LAMA1 is on the minus strand). VCF-style: chr18-6955400-T-G. GRCh37 (hg19) VCF-style: chr18-6955399-T-G.
Other names: short protein forms Q2720H.
Identifiers: ClinVar variation 1355390 (VCV001355390.6), dbSNP rs1009177876, ClinGen allele CA295775122.
Genomic context (GRCh38, chr18:6,955,400, plus strand): 5'-GAATGATACCTACTTCTTTCTGACAGCCGACTGATTAAAAGGCAAGATGAAATGGCTGTT[T>G]TGTGTGAGACCAAACTGGTGAGCGCCGGGAACGTACTCCAGAGCTGCATCCACCACACAC-3'
Protein context (NP_005550.2, residues 2710-2730): VPGAHQFGLT[Gln2720His]NSHFILPFNQ

ClinVar aggregate classification (germline): Uncertain significance (1 of 4 stars; one submission).

Allele frequency attached by ClinVar (database versions not stated): gnomAD 0.00001; gnomAD exomes 0.00001; TOPMed 0.00001.
gnomAD v4.1: 13 of 1,614,036 alleles (0.00081%); highest among the groups gnomAD compares: Non-Finnish European, 0.0011%; no homozygotes.

Submission:

Labcorp Genetics (formerly Invitae), Labcorp
Classification: Uncertain significance. Last evaluated: 2022-07-25. Review status: criteria provided, single submitter. Criteria: Invitae Variant Classification Sherloc (09022015). Collection method: clinical testing. Allele origin: germline.
Comment: In summary, the available evidence is currently insufficient to determine the role of this variant in disease. Therefore, it has been classified as a Variant of Uncertain Significance. Algorithms developed to predict the effect of missense changes on protein structure and function (SIFT, PolyPhen-2, Align-GVGD) all suggest that this variant is likely to be tolerated. ClinVar contains an entry for this variant (Variation ID: 1355390). This variant has not been reported in the literature in individuals affected with LAMA1-related conditions. This variant is not present in population databases (gnomAD no frequency). This sequence change replaces glutamine, which is neutral and polar, with histidine, which is basic and polar, at codon 2720 of the LAMA1 protein (p.Gln2720His).